The following continues an entry in ClinVar:

NM_006767.4(LZTR1):c.1018C>T (p.Arg340Ter)

Gene: LZTR1. ClinVar aggregate classification (germline): Conflicting classifications of pathogenicity. Pathogenic (16); Likely pathogenic (3); Uncertain significance (1).

Submissions 14 to 20 of 20:

Ambry Genetics
Classification: Pathogenic for Cardiovascular phenotype; Hereditary cancer-predisposing syndrome. Last evaluated: 2023-03-27. Review status: criteria provided, single submitter. Criteria: Ambry Variant Classification Scheme 2023. Collection method: clinical testing. Allele origin: germline.
Comment: The p.R340* pathogenic mutation (also known as c.1018C>T), located in coding exon 10 of the LZTR1 gene, results from a C to T substitution at nucleotide position 1018. This changes the amino acid from an arginine to a stop codon within coding exon 10. This alteration has been reported in more than one individual with a clinical dx of schwannomatosis (Paganini I et al. Eur J Hum Genet, 2015 Jul;23:963-8; Kehrer-Sawatzki H et al. Hum Genet, 2018 Jul;137:543-552). In addition to the information presented in the literature, this alteration is expected to result in loss of function by premature protein truncation or nonsense-mediated mRNA decay. Loss-of-function variants in LZTR1 are related to an increased risk for schwannomas and autosomal recessive Noonan syndrome; however, such associations with autosomal dominant Noonan syndrome have not been observed (Piotrowski A et al. Nat Genet. 2014 Feb;46:182-7; Yamamoto GL et al. J Med Genet. 2015 Jun;52:413-21; Johnston JJ et al. Genet Med. 2018 10;20:1175-1185). Based on the supporting evidence, this variant is pathogenic for an increased risk of LZTR1-related schwannomatosis (SWN) and would be expected to cause autosomal recessive Noonan syndrome when present along with a second pathogenic or likely pathogenic variant on the other allele; however, the association of this alteration with autosomal dominant Noonan syndrome is unlikely.

Illumina Laboratory Services, Illumina
Classification: Pathogenic for LZTR1-related schwannomatosis. Last evaluated: 2023-03-21. Review status: criteria provided, single submitter. Criteria: ICSLVariantClassificationCriteria RUGD 01 April 2020. Collection method: clinical testing. Allele origin: unknown.
Comment: The LZTR1 c.1018C>T (p.Arg340Ter) nonsense variant results in a premature termination of the protein at amino acid position 340. Loss of normal protein function through either protein truncation or nonsense-mediated mRNA decay is expected. This variant is reported in the Genome Aggregation Database in six alleles at a frequency of 0.000209 in the East Asian population (version 3.1.2). This frequency is high but may be consistent with reduced penetrance. Based on the available evidence, the c.1018C>T (p.Arg340Ter) variant is classified as pathogenic with reduced penetrance for schwannomatosis.

MGZ Medical Genetics Center
Classification: Pathogenic for LZTR1-related schwannomatosis. Last evaluated: 2022-05-10. Review status: criteria provided, single submitter. Criteria: ACMG Guidelines, 2015. Collection method: clinical testing. Allele origin: germline. Affected: yes. Observed: 1 variant allele.
Comment: ACMG criteria applied: PVS1, PM6, PM2_SUP

Revvity Omics, Revvity
Classification: Likely pathogenic. Last evaluated: 2021-08-20. Review status: criteria provided, single submitter. Criteria: ACMG Guidelines, 2015. Collection method: clinical testing. Allele origin: germline.

Baylor Genetics
Classification: Pathogenic for Noonan syndrome 10. Last evaluated: 2020-12-22. Review status: criteria provided, single submitter. Criteria: ACMG Guidelines, 2015. Collection method: clinical testing. Allele origin: maternal. Affected: yes. Study: CSER-TexasKidsCanSeq.
Comment: This variant was determined to be pathogenic according to ACMG Guidelines, 2015 [PMID:25741868]. This variant has been previously reported in a patient affected by schwannomatosis [PMID 25335493]

Victorian Clinical Genetics Services, Murdoch Childrens Research Institute
Classification: Pathogenic for LZTR1-related schwannomatosis. Last evaluated: 2020-10-19. Review status: criteria provided, single submitter. Criteria: ACMG Guidelines, 2015. Collection method: clinical testing. Allele origin: germline. Inheritance: Autosomal dominant inheritance.
Comment: Based on the classification scheme VCGS_Germline_v1.1.1, this variant is classified as Pathogenic. Following criteria are met: 0101 - Gain-of-function is a known mechanism of disease for this gene (PMID 30481304). (N) 0108 - This gene is known to be associated with both recessive and dominant disease (OMIM). (N) 0201 - Variant is predicted to cause nonsense-mediated decay (NMD) and loss of protein (exon 10 of 21). (P) 0251 - Variant is heterozygous. (N) 0304 - Variant is present in gnomAD <0.01 for a recessive condition (18 heterozygotes, 0 homozygotes). (P) 0701 - Comparable variants have very strong previous evidence for pathogenicity. Multiple NMD-predicted variants have previously been reported pathogenic in clinical cases (ClinVar). (P) 0802 - Moderate previous evidence of pathogenicity in unrelated individuals. This variant has been reported in individuals with Schwannomatosis (ClinVar; PMID: 30368668, 25335493, 30006736). (P) 1208 - Inheritance information for this variant is not currently available. (N) Legend: (P) - Pathogenic, (N) - Neutral, (B) - Benign

Department of Molecular Diagnostics, Institute of Oncology Ljubljana
Classification: Pathogenic for LZTR1-related schwannomatosis. Last evaluated: 2020-04-02. Review status: criteria provided, single submitter. Criteria: ACMG Guidelines, 2015. Collection method: clinical testing. Allele origin: germline. Affected: yes.

Literature cited by the submitters: PubMed 24362817 (cited by 3 submitters); PubMed 25335493 (cited by 6 submitters); PubMed 25480913 (cited by Labcorp Genetics (formerly Invitae), Labcorp); PubMed 25795793 (cited by Labcorp Genetics (formerly Invitae), Labcorp and Women's Health and Genetics/Laboratory Corporation of America, LabCorp); PubMed 29469822 (cited by Labcorp Genetics (formerly Invitae), Labcorp); PubMed 30368668 (cited by 3 submitters); PubMed 30442762 (cited by Labcorp Genetics (formerly Invitae), Labcorp); PubMed 30442766 (cited by Labcorp Genetics (formerly Invitae), Labcorp); PubMed 30481304 (cited by Labcorp Genetics (formerly Invitae), Labcorp and Victorian Clinical Genetics Services, Murdoch Childrens Research Institute); PubMed 30859559 (cited by Labcorp Genetics (formerly Invitae), Labcorp); PubMed 27921248 (cited by Women's Health and Genetics/Laboratory Corporation of America, LabCorp); PubMed 33413596 (cited by Women's Health and Genetics/Laboratory Corporation of America, LabCorp and Mayo Clinic Laboratories, Mayo Clinic); PubMed 30665374 (cited by Women's Health and Genetics/Laboratory Corporation of America, LabCorp); PubMed 30006736 (cited by Mayo Clinic Laboratories, Mayo Clinic and Victorian Clinical Genetics Services, Murdoch Childrens Research Institute); PubMed 35251316 (cited by Mayo Clinic Laboratories, Mayo Clinic); PubMed 35391499 (cited by Mayo Clinic Laboratories, Mayo Clinic).